The following is an entry in ClinVar:

NM_005422.4(TECTA):c.3736G>A (p.Gly1246Ser)

Genes: TBCEL-TECTA (TBCEL-TECTA readthrough; plus strand), TECTA (tectorin alpha; plus strand). Cytogenetic location: 11q23.3.
Variant type: single nucleotide variant.
Coding change: c.3736G>A on transcript NM_005422.4 (MANE Select); coding-DNA position 3736, G replaced by A.
Protein change: p.Gly1246Ser; replaces glycine 1246 with serine.
Molecular consequence: missense variant.
Genome position (GRCh38, 1-based): chr11:121,145,747, G>A. VCF-style: chr11-121145747-G-A. GRCh37 (hg19) VCF-style: chr11-121016456-G-A.
Other names: c.4693G>A, p.Gly1565Ser (NM_001378761.1); short protein forms G1246S, G1565S.
Identifiers: ClinVar variation 1311610 (VCV001311610.6), dbSNP rs200218954, ClinGen allele CA6327282.

ClinVar aggregate classification (germline): Conflicting classifications of pathogenicity. Review status: criteria provided, conflicting classifications (1 of 4 stars). 3 submissions from 3 submitters: Uncertain significance (2); Benign (1). Last evaluated 2025-07-11.

Conditions:
Inborn genetic diseases. Identifiers: MedGen C0950123, MeSH D030342.

Allele frequency attached by ClinVar (database versions not stated): gnomAD 0.00003; gnomAD exomes 0.00003 and 0.00010; TOPMed 0.00005; ExAC 0.00012; 1000 Genomes Project 30x 0.00016; 1000 Genomes Project 0.00020.

Submissions (3):

GeneDx
Classification: Uncertain significance. Last evaluated: 2025-07-11. Review status: criteria provided, single submitter. Criteria: GeneDx Variant Classification Process June 2021. Collection method: clinical testing. Allele origin: germline. Affected: yes.
Comment: In silico analysis supports that this missense variant has a deleterious effect on protein structure/function; Has not been previously published as pathogenic or benign to our knowledge; This variant is associated with the following publications: (PMID: 21520338, 9590290, 31554319)

Labcorp Genetics (formerly Invitae), Labcorp
Classification: Benign. Last evaluated: 2024-12-17. Review status: criteria provided, single submitter. Criteria: Invitae Variant Classification Sherloc (09022015). Collection method: clinical testing. Allele origin: germline.

Ambry Genetics
Classification: Uncertain significance for Inborn genetic diseases. Last evaluated: 2024-04-01. Review status: criteria provided, single submitter. Criteria: Ambry Variant Classification Scheme 2023. Collection method: clinical testing. Allele origin: germline.